The following is an entry in ClinVar:

NM_000053.4(ATP7B):c.3027_3028del (p.Lys1010fs)

Gene: ATP7B (ATPase copper transporting beta; minus strand). Cytogenetic location: 13q14.3.
Variant type: Deletion.
Coding change: c.3027_3028del on transcript NM_000053.4 (MANE Select); coding-DNA positions 3027 to 3028, 2 bases deleted (CA; older notation c.3027_3028delCA).
Protein change: p.Lys1010fs; shifts the reading frame from lysine 1010.
Molecular consequence: frameshift variant.
Genome position (GRCh38, 1-based): chr13:51,946,316-51,946,317, TG deleted on the plus strand (CA on the coding strand, the reverse complement: ATP7B is on the minus strand). VCF-style (leftmost placement, unchanged base first): chr13-51946315-TTG-T. GRCh37 (hg19) VCF-style: chr13-52520451-TTG-T.
Other names: c.2406_2407del, p.Lys803fs (NM_001005918.3); c.2694_2695del, p.Lys899fs (NM_001243182.2); c.2793_2794del, p.Lys932fs (NM_001330578.2); c.2775_2776del, p.Lys926fs (NM_001330579.2); c.3027_3028delCA, p.Lys1010Glyfs (NM_001406511.1, NM_001406512.1, NM_001406513.1 and 2 more transcripts); c.2994_2995delCA, p.Lys999Glyfs (NM_001406514.1); c.2973_2974delCA, p.Lys992Glyfs (NM_001406515.1, NM_001406516.1); c.2931_2932delCA, p.Lys978Glyfs (NM_001406517.1, NM_001406518.1); and 14 more; short protein forms K1010fs, K803fs, K899fs, K926fs, K932fs.
Identifiers: ClinVar variation 1725753 (VCV001725753.2), dbSNP rs2547645550, ClinGen allele CA2580087663.

ClinVar aggregate classification (germline): Likely pathogenic (1 of 4 stars; one submission).

Conditions:
Wilson disease (WND). Also called: Wilson's disease. Identifiers: Orphanet 905, MedGen C0019202, MONDO:0010200, OMIM 277900. Disease mechanism: loss of function.

Submission:

Myriad Genetics, Inc.
Classification: Likely pathogenic for Wilson disease. Last evaluated: 2022-03-31. Review status: criteria provided, single submitter. Criteria: Myriad Women's Health Autosomal Recessive and X-Linked Classification Criteria (2021). Collection method: clinical testing. Allele origin: unknown.
Comment: NM_000053.3(ATP7B):c.3027_3028delCA(K1010Gfs*17) is expected to be pathogenic in the context of Wilson disease. This variant is predicted to lead to an abnormal or absent protein product due to the creation of a premature termination codon in ATP7B, a gene where loss-of-function variants are known to be pathogenic. Please note: this variant was assessed in the context of healthy population screening.